The following is an entry in ClinVar:

ClinVar aggregate classification (germline): Uncertain significance (1 of 4 stars; one submission).

Conditions:
Cardiovascular phenotype. Identifiers: MedGen CN230736.

Submission:

Ambry Genetics
Classification: Uncertain significance for Cardiovascular phenotype. Last evaluated: 2026-09-11. Review status: criteria provided, single submitter. Criteria: Ambry Variant Classification Scheme 2023. Collection method: clinical testing. Allele origin: germline.
Comment: The p.E239G variant (also known as c.716A>G), located in coding exon 6 of the ENG gene, results from an A to G substitution at nucleotide position 716. The glutamic acid at codon 239 is replaced by glycine, an amino acid with similar properties. This amino acid position is conserved. In addition, this alteration is predicted to be tolerated by in silico analysis. Based on the available evidence, the clinical significance of this variant remains unclear.

NM_001114753.3(ENG):c.716A>G (p.Glu239Gly)

Gene: ENG (endoglin; minus strand). Cytogenetic location: 9q34.11.
Variant type: single nucleotide variant.
Coding change: c.716A>G on transcript NM_001114753.3 (MANE Select); coding-DNA position 716, A replaced by G.
Protein change: p.Glu239Gly; replaces glutamic acid 239 with glycine.
Molecular consequence: missense variant.
Genome position (GRCh38, 1-based): chr9:127,825,331, T>C on the plus strand (A>G on the coding strand, the complement: ENG is on the minus strand). VCF-style: chr9-127825331-T-C. GRCh37 (hg19) VCF-style: chr9-130587610-T-C.
Other names: c.716A>G, p.Glu239Gly (NM_000118.4, NM_001406715.1); c.170A>G, p.Glu57Gly (NM_001278138.2); short protein forms E239G, E57G.
Identifiers: ClinVar variation 2302443 (VCV002302443.3), dbSNP rs2539074309, ClinGen allele CA374983422.